The following is an entry in ClinVar:

NM_001388453.1(QRICH2):c.5634G>T (p.Thr1878=)

Gene: QRICH2 (glutamine rich 2; minus strand). Cytogenetic location: 17q25.1.
Variant type: single nucleotide variant.
Coding change: c.5634G>T on transcript NM_001388453.1 (MANE Select); coding-DNA position 5634, G replaced by T.
Protein change: p.Thr1878=; no amino-acid change (threonine 1878 retained).
Molecular consequence: synonymous variant. On other transcripts: 3 prime UTR variant (1), non-coding transcript variant (1).
Genome position (GRCh38, 1-based): chr17:76,274,109, C>A on the plus strand (G>T on the coding strand, the complement: QRICH2 is on the minus strand). VCF-style: chr17-76274109-C-A. GRCh37 (hg19) VCF-style: chr17-74270190-C-A.
Other names: c.*127G>T (NM_032134.3).
Identifiers: ClinVar variation 1176695 (VCV001176695.36), dbSNP rs186517232, ClinGen allele CA8783020.

ClinVar aggregate classification (germline): Conflicting classifications of pathogenicity. Review status: criteria provided, conflicting classifications (1 of 4 stars). 2 submissions from 2 submitters: Uncertain significance (1); Likely benign (1). Last evaluated 2026-01-01.

Allele frequency attached by ClinVar (database versions not stated): 1000 Genomes Project 30x 0.00078; 1000 Genomes Project 0.00080.
gnomAD v4.1: 1,111 of 1,584,116 alleles (0.07%); highest among the groups gnomAD compares: Middle Eastern, 0.3%; 3 homozygotes.

Submissions (2):

CeGaT Center for Human Genetics Tuebingen
Classification: Likely benign. Last evaluated: 2026-01-01. Review status: criteria provided, single submitter. Criteria: CeGaT Center For Human Genetics Tuebingen Variant Classification Criteria Version 2. Collection method: clinical testing. Allele origin: germline. Affected: yes. Observed: 4 variant alleles.
Comment: QRICH2: BP4, BP7

Breakthrough Genomics
Classification: Uncertain significance. Review status: criteria provided, single submitter. Criteria: ACMG Guidelines, 2015. Collection method: not provided. Allele origin: germline. Inheritance: Autosomal recessive inheritance. Affected: yes.